The following is an entry in ClinVar:

ClinVar aggregate classification (germline): Conflicting classifications of pathogenicity. Review status: criteria provided, conflicting classifications (1 of 4 stars). 2 submissions from 2 submitters: Uncertain significance (1); Likely benign (1). Last evaluated 2018-01-12.

Conditions:
Maturity-onset diabetes of the young (MODY). Also called: Maturity onset diabetes mellitus in young. Identifiers: Orphanet 552, MedGen C0342276, MONDO:0018911, HP:0004904.
Renal cysts and diabetes syndrome (RCAD). Also called: Familial hypoplastic, glomerulocystic kidney; MATURITY-ONSET DIABETES OF THE YOUNG, TYPE 5. Identifiers: Orphanet 93111, MedGen C0431693, MONDO:0007669, OMIM 137920.

Allele frequency attached by ClinVar (database versions not stated): gnomAD exomes below 0.00001.
gnomAD v4.1: 3 of 1,553,240 alleles (0.00019%); highest among the groups gnomAD compares: Non-Finnish European, 0.00017%; no homozygotes.

Submissions (2):

Illumina Laboratory Services, Illumina
Classification: Uncertain significance for Renal cysts and diabetes syndrome. Last evaluated: 2018-01-12. Review status: criteria provided, single submitter. Criteria: ICSL Variant Classification Criteria 13 December 2019. Collection method: clinical testing. Allele origin: germline.

Clinical Genomics, Uppaluri K&H Personalized Medicine Clinic
Classification: Likely benign for Maturity-onset diabetes of the young. Review status: criteria provided, single submitter. Criteria: K & H Uppaluri Personalized Medicine Clinic Variant Classification & Assertion Criteria_Updated V.1. Collection method: research. Allele origin: unknown. Inheritance: Autosomal dominant inheritance.
Comment: HNF1B gene mutations are associated with early onset diabetes and pancreatic atrophy. It is also associated with multiple renal manifestations including renal cysts, Tubulointerstitial disease, glomerulocystic disease, renal hypoplasia, hypomagnesemia. However no sufficient evidence is found to ascertain the role of this particular variant rs886052891, yet.

Literature cited by the submitters: PubMed 24897035 (cited by Clinical Genomics, Uppaluri K&H Personalized Medicine Clinic); PubMed 25536396 (cited by Clinical Genomics, Uppaluri K&H Personalized Medicine Clinic); PubMed 27615128 (cited by Clinical Genomics, Uppaluri K&H Personalized Medicine Clinic); PubMed 28215227 (cited by Clinical Genomics, Uppaluri K&H Personalized Medicine Clinic); PubMed 33434175 (cited by Clinical Genomics, Uppaluri K&H Personalized Medicine Clinic); PubMed 25741167 (cited by Clinical Genomics, Uppaluri K&H Personalized Medicine Clinic); PubMed 26340261 (cited by Clinical Genomics, Uppaluri K&H Personalized Medicine Clinic); PubMed 19639018 (cited by Clinical Genomics, Uppaluri K&H Personalized Medicine Clinic).

NM_000458.4(HNF1B):c.1418A>G (p.Gln473Arg)

Gene: HNF1B (HNF1 homeobox B; minus strand). Cytogenetic location: 17q12.
Variant type: single nucleotide variant.
Coding change: c.1418A>G on transcript NM_000458.4 (MANE Select); coding-DNA position 1418, A replaced by G.
Protein change: p.Gln473Arg; replaces glutamine 473 with arginine.
Molecular consequence: missense variant. On other transcripts: intron variant (1).
Genome position (GRCh38, 1-based): chr17:37,701,099, T>C on the plus strand (A>G on the coding strand, the complement: HNF1B is on the minus strand). VCF-style: chr17-37701099-T-C. GRCh37 (hg19) VCF-style: chr17-36061104-T-C.
Other names: c.1340A>G, p.Gln447Arg (NM_001165923.4); c.1261+3818A>G (NM_001304286.2); short protein forms Q473R, Q447R.
Identifiers: ClinVar variation 322946 (VCV000322946.6), dbSNP rs886052891, ClinGen allele CA10650004.